The following is an entry in ClinVar:

ClinVar aggregate classification (germline): Uncertain significance. Review status: criteria provided, multiple submitters, no conflicts (2 of 4 stars). 2 submissions from 2 submitters: Uncertain significance (2). Last evaluated 2024-05-26.

Allele frequency attached by ClinVar (database versions not stated): ExAC 0.00001; TOPMed 0.00001; gnomAD 0.00003 and 0.00004; gnomAD exomes 0.00003.
gnomAD v4.1: 25 of 1,602,126 alleles (0.0016%); highest among the groups gnomAD compares: Admixed American, 0.012%; no homozygotes.

Submissions (2):

Ambry Genetics
Classification: Uncertain significance. Last evaluated: 2024-05-26. Review status: criteria provided, single submitter. Criteria: Ambry Variant Classification Scheme 2023. Collection method: clinical testing. Allele origin: germline.

Labcorp Genetics (formerly Invitae), Labcorp
Classification: Uncertain significance. Last evaluated: 2021-08-06. Review status: criteria provided, single submitter. Criteria: Invitae Variant Classification Sherloc (09022015). Collection method: clinical testing. Allele origin: germline.
Comment: This sequence change replaces arginine with histidine at codon 949 of the TNK2 protein (p.Arg949His). The arginine residue is weakly conserved and there is a small physicochemical difference between arginine and histidine. This variant is present in population databases (rs763752077, ExAC 0.002%). Algorithms developed to predict the effect of missense changes on protein structure and function are either unavailable or do not agree on the potential impact of this missense change (SIFT: "Tolerated"; PolyPhen-2: "Possibly Damaging"; Align-GVGD: "Class C0"). This variant has not been reported in the literature in individuals affected with TNK2-related conditions. In summary, the available evidence is currently insufficient to determine the role of this variant in disease. Therefore, it has been classified as a Variant of Uncertain Significance.

NM_001382273.1(TNK2):c.2657G>A (p.Arg886His)

Gene: TNK2 (tyrosine kinase non receptor 2; minus strand). Cytogenetic location: 3q29.
Variant type: single nucleotide variant.
Coding change: c.2657G>A on transcript NM_001382273.1 (MANE Select); coding-DNA position 2657, G replaced by A.
Protein change: p.Arg886His; replaces arginine 886 with histidine.
Molecular consequence: missense variant. On other transcripts: non-coding transcript variant (15).
Genome position (GRCh38, 1-based): chr3:195,867,641, C>T on the plus strand (G>A on the coding strand, the complement: TNK2 is on the minus strand). VCF-style: chr3-195867641-C-T. GRCh37 (hg19) VCF-style: chr3-195594512-C-T.
Other names: c.2846G>A (NM_001010938.1); c.2729G>A, p.Arg910His (NM_001010938.2, NM_001382272.1); c.2708G>A, p.Arg903His (NM_001308046.2, NM_001382271.1); c.2657G>A, p.Arg886His (NM_001382274.1, NM_001387716.1, NM_001387717.1 and 1 more transcripts); c.2753G>A, p.Arg918His (NM_001382275.1, NM_001387707.1); c.2612G>A, p.Arg871His (NM_001386164.1, NM_001387709.1, NM_001387710.1 and 8 more transcripts); c.2684G>A, p.Arg895His (NM_001387708.1, NM_001387715.1); short protein forms R871H, R886H, R895H, R910H, R903H, R918H.
Identifiers: ClinVar variation 1519585 (VCV001519585.7), dbSNP rs763752077, ClinGen allele CA2775848.